The following is an entry in ClinVar:

ClinVar aggregate classification (germline): Uncertain significance (1 of 4 stars; one submission).

Conditions:
ATP2A2-related disorder. Also called: ATP2A2-related condition; ATP2A2-Related Disorders.

Submission:

PreventionGenetics, part of Exact Sciences
Classification: Uncertain significance for ATP2A2-related condition. Last evaluated: 2026-08-07. Review status: criteria provided, single submitter. Criteria: ACMG Guidelines, 2015. Collection method: clinical testing. Allele origin: germline.
Comment: The ATP2A2 c.302A>G variant is predicted to result in the amino acid substitution p.Asn101Ser. This variant was reported in an individual with Darier disease (Nellen et al. 2017. PubMed ID: 28035777). This variant has not been reported in a large population database (gnomAD), indicating this variant is rare. At this time, the clinical significance of this variant is uncertain due to the absence of conclusive functional and genetic evidence.

NM_170665.4(ATP2A2):c.302A>G (p.Asn101Ser)

Gene: ATP2A2 (ATPase sarcoplasmic/endoplasmic reticulum Ca2+ transporting 2; plus strand). Cytogenetic location: 12q24.11.
Variant type: single nucleotide variant.
Coding change: c.302A>G on transcript NM_170665.4 (MANE Select); coding-DNA position 302, A replaced by G.
Protein change: p.Asn101Ser; replaces asparagine 101 with serine.
Molecular consequence: missense variant. On other transcripts: 5 prime UTR variant (1), intron variant (1).
Genome position (GRCh38, 1-based): chr12:110,292,102, A>G. VCF-style: chr12-110292102-A-G. GRCh37 (hg19) VCF-style: chr12-110729907-A-G.
Other names: c.302A>G, p.Asn101Ser (NM_001413014.1, NM_001681.4); c.-74A>G (NM_001413015.1); c.220-4497A>G (NM_001413013.1); short protein forms N101S.
Identifiers: ClinVar variation 4994819 (VCV004994819.1).
Genomic context (GRCh38, chr12:110,292,102, plus strand): 5'-GTGAAGAAACAATTACAGCCTTTGTAGAACCTTTTGTAATTTTACTCATATTAGTAGCCA[A>G]TGCAATTGTGGGTGTATGGCAGGTAAGCAAAAATTCCTGTACTGCAAAATTTCAATAAGT-3'
Protein context (NP_733765.1, residues 91-111): PFVILLILVA[Asn101Ser]AIVGVWQERN